The following is an entry in ClinVar:

NM_000082.4(ERCC8):c.655G>C (p.Ala219Pro)

Gene: ERCC8 (ERCC excision repair 8, CSA ubiquitin ligase complex subunit; minus strand). Cytogenetic location: 5q12.1.
Variant type: single nucleotide variant.
Coding change: c.655G>C on transcript NM_000082.4 (MANE Select); coding-DNA position 655, G replaced by C.
Protein change: p.Ala219Pro; replaces alanine 219 with proline.
Molecular consequence: missense variant.
Genome position (GRCh38, 1-based): chr5:60,899,690, C>G on the plus strand (G>C on the coding strand, the complement: ERCC8 is on the minus strand). VCF-style: chr5-60899690-C-G. GRCh37 (hg19) VCF-style: chr5-60195517-C-G.
Other names: p.Ala219Pro; c.481G>C, p.Ala161Pro (NM_001007233.3); c.196G>C, p.Ala66Pro (NM_001290285.2); short protein forms A161P, A66P, A219P.
Identifiers: ClinVar variation 702384 (VCV000702384.60), dbSNP rs150727525, ClinGen allele CA3277749.
Genomic context (GRCh38, chr5:60,899,690, plus strand): 5'-ATTCAACAGCTTGTGACTTTTTCCCATTATGTTGATCAAGAGTAATCAAACATCCTGATG[C>G]TCTTCTCACATCCCATAATTTTACTCTACTGTCAGCACTGAGAAGAAATAAATGTTACAT-3'
Protein context (NP_000073.1, residues 209-229): SRVKLWDVRR[Ala219Pro]SGCLITLDQH

ClinVar aggregate classification (germline): Conflicting classifications of pathogenicity. Review status: criteria provided, conflicting classifications (1 of 4 stars). 6 submissions from 6 submitters: Uncertain significance (4); Benign (1); Likely benign (1). Last evaluated 2026-01-21.

Conditions:
Cockayne syndrome type 1. Also called: Cockayne syndrome type I; Cockayne syndrome classical; Cockayne syndrome classic form. Identifiers: Orphanet 191, Orphanet 90321, MedGen C0751039, MONDO:0019569, OMIM 216400.
UV-sensitive syndrome 2 (UVSS2). Identifiers: Orphanet 178338, MedGen C3553298, MONDO:0013829, OMIM 614621.

Allele frequency attached by ClinVar (database versions not stated): 1000 Genomes Project 0.00080; 1000 Genomes Project 30x 0.00094; gnomAD 0.00131; TOPMed 0.00136; ESP Exome Variant Server 0.00146; gnomAD exomes 0.00151; ExAC 0.00177.
gnomAD v4.1: 2,712 of 1,612,304 alleles (0.17%); highest among the groups gnomAD compares: Non-Finnish European, 0.19%; 3 homozygotes.

Submissions (6):

Labcorp Genetics (formerly Invitae), Labcorp
Classification: Benign. Last evaluated: 2026-01-21. Review status: criteria provided, single submitter. Criteria: Invitae Variant Classification Sherloc (09022015). Collection method: clinical testing. Allele origin: germline.

Mayo Clinic Laboratories, Mayo Clinic
Classification: Uncertain significance. Last evaluated: 2025-10-09. Review status: criteria provided, single submitter. Criteria: ACMG Guidelines, 2015. Collection method: clinical testing. Allele origin: germline. Observed: 3 variant alleles.
Comment: BS1, PP3

Revvity Omics, Revvity
Classification: Uncertain significance. Last evaluated: 2022-01-21. Review status: criteria provided, single submitter. Criteria: ACMG Guidelines, 2015. Collection method: clinical testing. Allele origin: germline.

Department of Pathology and Laboratory Medicine, Sinai Health System
Classification: Uncertain significance for Cockayne syndrome type 1; UV-sensitive syndrome 2. Last evaluated: 2021-12-08. Review status: criteria provided, single submitter. Criteria: ACMG Guidelines, 2015. Collection method: research. Allele origin: germline.

CeGaT Center for Human Genetics Tuebingen
Classification: Uncertain significance. Last evaluated: 2021-06-01. Review status: criteria provided, single submitter. Criteria: CeGaT Center For Human Genetics Tuebingen Variant Classification Criteria Version 2. Collection method: clinical testing. Allele origin: germline. Affected: yes. Observed: 2 variant alleles.

Illumina Laboratory Services, Illumina
Classification: Likely benign for Cockayne syndrome type 1. Last evaluated: 2018-01-12. Review status: criteria provided, single submitter. Criteria: ICSL Variant Classification Criteria 13 December 2019. Collection method: clinical testing. Allele origin: germline.
Comment: This variant was observed in the ICSL laboratory as part of a predisposition screen in an ostensibly healthy population. It had not been previously curated by ICSL or reported in the Human Gene Mutation Database (HGMD: prior to June 1st, 2018), and was therefore a candidate for classification through an automated scoring system. Utilizing variant allele frequency, disease prevalence and penetrance estimates, and inheritance mode, an automated score was calculated to assess if this variant is too frequent to cause the disease. Based on the score and internal cut-off values, a variant classified as likely benign is not then subjected to further curation. The score for this variant resulted in a classification of likely benign for this disease.